The following is an entry in ClinVar:

ClinVar aggregate classification (germline): Pathogenic. Review status: criteria provided, multiple submitters, no conflicts (2 of 4 stars). 5 submissions from 5 submitters: Pathogenic (3). 2 of the submissions do not count toward it. Last evaluated 2026-06-16.

Conditions:
Ichthyosis and erythrokeratoderma.
Lamellar ichthyosis. Identifiers: Orphanet 313, MedGen C5848247, MONDO:0017778.
Congenital nonbullous ichthyosiform erythroderma. Also called: Congenital non-bullous ichthyosiform erythroderma. Identifiers: Orphanet 79394, MedGen C0079154, MONDO:0019306, HP:0007479.

Allele frequency attached by ClinVar (database versions not stated): gnomAD exomes 0.00002 and 0.00003; ExAC 0.00005.
gnomAD v4.1: 27 of 1,613,616 alleles (0.0017%); highest among the groups gnomAD compares: South Asian, 0.03%; 1 homozygote.

Submissions (5):

Genetics Laboratory, Great Ormond Street Hospital NHS Foundation Trust, North Thames Genomic Laboratory Hub
Classification: Pathogenic for Ichthyosis and erythrokeratoderma. Last evaluated: 2026-06-16. Review status: criteria provided, single submitter. Criteria: ACGS Best Practice Guidelines for Variant Classification in Rare Disease 2024 v1.2. Collection method: clinical testing. Allele origin: germline. Affected: yes.
Comment: PM2_moderate, PVS1_very-strong, PM3_supporting

Labcorp Genetics (formerly Invitae), Labcorp
Classification: Pathogenic. Last evaluated: 2025-09-29. Review status: criteria provided, single submitter. Criteria: Invitae Variant Classification Sherloc (09022015). Collection method: clinical testing. Allele origin: germline.
Comment: This sequence change creates a premature translational stop signal (p.Gln544*) in the ALOXE3 gene. It is expected to result in an absent or disrupted protein product. Loss-of-function variants in ALOXE3 are known to be pathogenic (PMID: 11773004, 19890349, 27025581). This variant is present in population databases (rs781631629, gnomAD 0.02%). This premature translational stop signal has been observed in individuals with congenital ichthyosis (PMID: 16116617, 29130490). ClinVar contains an entry for this variant (Variation ID: 449286). Algorithms developed to predict the effect of sequence changes on RNA splicing suggest that this variant may disrupt the consensus splice site. For these reasons, this variant has been classified as Pathogenic.

GeneDx
Classification: Pathogenic. Last evaluated: 2017-09-20. Review status: criteria provided, single submitter. Criteria: GeneDx Variant Classification (06012015). Collection method: clinical testing. Allele origin: germline. Affected: yes.
Comment: The Q544X variant in the ALOXE3 gene been reported previously in the homozygous state in five individuals with congenital ichthyosis from a consanguineous family of Indian ethnicity (Eckl et al., 2005). This variant is predicted to cause loss of normal protein function either through protein truncation or nonsense-mediated mRNA decay. The Q544X variant is observed in 6/16,506 alleles (0.036%) from individuals of South Asian background in the ExAC dataset with no homozygous control individuals reported (Lek et al., 2016). We interpret Q544X as a pathogenic variant.

Yale Center for Mendelian Genomics, Yale University
Classification: Likely pathogenic for Congenital nonbullous ichthyosiform erythroderma. Last evaluated: 2018-07-18. Review status: no assertion criteria provided. Collection method: literature only. Allele origin: germline. Affected: yes. Observed: 6 homozygotes. Study: Yale Center for Mendelian Genomics. Not counted in ClinVar's aggregate classification.

University of Washington Center for Mendelian Genomics, University of Washington
Classification: Likely pathogenic for lamellar ichthyosis. Review status: no assertion criteria provided. Collection method: research. Allele origin: inherited. Affected: yes. Not counted in ClinVar's aggregate classification.

Literature cited by the submitters: PubMed 11773004 (cited by Labcorp Genetics (formerly Invitae), Labcorp); PubMed 19890349 (cited by Labcorp Genetics (formerly Invitae), Labcorp); PubMed 27025581 (cited by Labcorp Genetics (formerly Invitae), Labcorp); PubMed 16116617 (cited by Labcorp Genetics (formerly Invitae), Labcorp); PubMed 29130490 (cited by Labcorp Genetics (formerly Invitae), Labcorp and University of Washington Center for Mendelian Genomics, University of Washington); PubMed 29935003 (cited by Yale Center for Mendelian Genomics, Yale University).

NM_021628.3(ALOXE3):c.1630C>T (p.Gln544Ter)

Gene: ALOXE3 (arachidonate epidermal lipoxygenase 3; minus strand). Cytogenetic location: 17p13.1.
Variant type: single nucleotide variant.
Coding change: c.1630C>T on transcript NM_021628.3 (MANE Select); coding-DNA position 1630, C replaced by T.
Protein change: p.Gln544Ter; replaces glutamine 544 with a stop codon.
Molecular consequence: nonsense.
Genome position (GRCh38, 1-based): chr17:8,108,522, G>A on the plus strand (C>T on the coding strand, the complement: ALOXE3 is on the minus strand). VCF-style: chr17-8108522-G-A. GRCh37 (hg19) VCF-style: chr17-8011840-G-A.
Other names: c.2026C>T, p.Gln676Ter (NM_001165960.1); c.1627C>T, p.Gln543Ter (NM_001369446.1); short protein forms Q544*, Q676*, Q543*.
Identifiers: ClinVar variation 449286 (VCV000449286.9), dbSNP rs781631629, ClinGen allele CA8368014.